The following is an entry in ClinVar:

NM_144687.4(NLRP12):c.1055G>A (p.Arg352His)

Gene: NLRP12 (NLR family pyrin domain containing 12; minus strand). Cytogenetic location: 19q13.42.
Variant type: single nucleotide variant.
Coding change: c.1055G>A on transcript NM_144687.4 (MANE Select); coding-DNA position 1055, G replaced by A.
Protein change: p.Arg352His; replaces arginine 352 with histidine.
Molecular consequence: missense variant.
Genome position (GRCh38, 1-based): chr19:53,810,604, C>T on the plus strand (G>A on the coding strand, the complement: NLRP12 is on the minus strand). VCF-style: chr19-53810604-C-T. GRCh37 (hg19) VCF-style: chr19-54313858-C-T.
Other names: c.1055G>A, p.Arg352His (NM_001277126.2, NM_001277129.1); short protein forms R352H.
Identifiers: ClinVar variation 2899031 (VCV002899031.3), dbSNP rs1319286947, ClinGen allele CA407415013.
Genomic context (GRCh38, chr19:53,810,604, plus strand): 5'-TCCTTCCTTTCTGCCTCAGAGAAGCCCAGGATCTCCACATGCCTGGGGTGCTCCAGCAGA[C>T]GGTGGAGCTTCTCCAAAGCCGTGGGCCGTGTGGTGATGAGCAAAGATAGCTCAGGGAGCA-3'
Protein context (NP_653288.1, residues 342-362): TRPTALEKLH[Arg352His]LLEHPRHVEI

ClinVar aggregate classification (germline): Uncertain significance (1 of 4 stars; one submission).

Conditions:
Familial cold autoinflammatory syndrome 2 (FCAS2). Identifiers: Orphanet 247868, MedGen C2673198, MONDO:0012724, OMIM 611762.

Allele frequency attached by ClinVar (database versions not stated): gnomAD exomes below 0.00001; TOPMed 0.00001.
gnomAD v4.1: 1 of 1,614,048 alleles (0.000062%); highest among the groups gnomAD compares: Non-Finnish European, 0.000085%; no homozygotes.

Submission:

Labcorp Genetics (formerly Invitae), Labcorp
Classification: Uncertain significance for Familial cold autoinflammatory syndrome 2. Last evaluated: 2022-11-24. Review status: criteria provided, single submitter. Criteria: Invitae Variant Classification Sherloc (09022015). Collection method: clinical testing. Allele origin: germline.
Comment: In summary, the available evidence is currently insufficient to determine the role of this variant in disease. Therefore, it has been classified as a Variant of Uncertain Significance. Algorithms developed to predict the effect of missense changes on protein structure and function output the following: SIFT: "Tolerated"; PolyPhen-2: "Benign"; Align-GVGD: "Class C0". The histidine amino acid residue is found in multiple mammalian species, which suggests that this missense change does not adversely affect protein function. This variant has not been reported in the literature in individuals affected with NLRP12-related conditions. This variant is not present in population databases (gnomAD no frequency). This sequence change replaces arginine, which is basic and polar, with histidine, which is basic and polar, at codon 352 of the NLRP12 protein (p.Arg352His).